The following is an entry in ClinVar:

NM_000132.4(F8):c.6443A>G (p.Asn2148Ser)

Gene: F8 (coagulation factor VIII; minus strand). Cytogenetic location: Xq28.
Variant type: single nucleotide variant.
Coding change: c.6443A>G on transcript NM_000132.4 (MANE Select); coding-DNA position 6443, A replaced by G.
Protein change: p.Asn2148Ser; replaces asparagine 2148 with serine.
Molecular consequence: missense variant.
Genome position (GRCh38, 1-based): chrX:154,863,214, T>C on the plus strand (A>G on the coding strand, the complement: F8 is on the minus strand). VCF-style: chrX-154863214-T-C. GRCh37 (hg19) VCF-style: chrX-154091489-T-C.
Other names: c.38A>G, p.Asn13Ser (NM_019863.3); c.6443A>G (NM_000132.3); short protein forms N13S, N2148S.
Identifiers: ClinVar variation 1330287 (VCV001330287.5), dbSNP rs1321311878, ClinGen allele CA414907975.

ClinVar aggregate classification (germline): Pathogenic/Likely pathogenic. Review status: criteria provided, multiple submitters, no conflicts (2 of 4 stars). 3 submissions from 3 submitters: Pathogenic (1); Likely pathogenic (2). Last evaluated 2023-04-26.

Conditions:
Hereditary factor VIII deficiency disease (HEMA). Also called: HEMOPHILIA, CLASSIC; AUTOSOMAL HEMOPHILIA A; Hemophilia A; Hemophilia A, congenital; HEM A; Factor 8 deficiency, congenital. Identifiers: Orphanet 98878, MedGen C0019069, MONDO:0010602, OMIM 306700.

Allele frequency attached by ClinVar (database versions not stated): TOPMed 0.00006.

Submissions (3):

Women's Health and Genetics/Laboratory Corporation of America, LabCorp
Classification: Likely pathogenic for Hereditary factor VIII deficiency disease. Last evaluated: 2023-04-26. Review status: criteria provided, single submitter. Criteria: LabCorp Variant Classification Summary - May 2015. Collection method: clinical testing. Allele origin: germline.
Comment: Variant summary: F8 c.6443A>G (p.Asn2148Ser) results in a conservative amino acid change located in the Coagulation factor 5/8 C-terminal domain (IPR000421) of the encoded protein sequence. Four of five in-silico tools predict a damaging effect of the variant on protein function. The variant was absent in 183328 control chromosomes. c.6443A>G has been reported in the literature in individuals affected with mild Factor VIII Deficiency (Hemophilia A) (example, Tavassoli_1998, Nance_2013, Eckhardt_2013). These data indicate that the variant is likely to be associated with disease. At least one publication reports experimental evidence evaluating an impact on protein function. The most pronounced variant effect results in reduced binding of Factor VIII to von Wildebrand factor (vWf) at approximately 50% of normal activity (Jacquemin_2000). The following publications have been ascertained in the context of this evaluation (PMID: 11748850, 23926300, 10910910, 23711294, 9792405). Two clinical diagnostic laboratories have submitted clinical-significance assessments for this variant to ClinVar after 2014 without evidence for independent evaluation. All laboratories classified the variant as pathogenic/likely pathogenic. Based on the evidence outlined above, the variant was classified as likely pathogenic.

ARUP Laboratories, Molecular Genetics and Genomics, ARUP Laboratories
Classification: Pathogenic. Last evaluated: 2022-03-24. Review status: criteria provided, single submitter. Criteria: ARUP Molecular Germline Variant Investigation Process 2021. Collection method: clinical testing. Allele origin: germline.
Comment: The F8 c.6443A>G; p.Asn2148Ser variant (rs1321311878), also known as Asn2129Ser, is reported in several individuals with mild to moderate hemophilia A (Factor VIII (F8) Variant Database, Johnsen 2017, Lannoy 2012, Tavassoli 1998). Additionally, other variants at this codon (c.6442A>G, p. Asn2148Asp; c.6444T>A, p.Asn2148Lys) have been reported in individuals with hemophilia A (Feng 2021, Xue 2010). The p.Asn2148Ser variant is absent from the Genome Aggregation Database, indicating it is not a common polymorphism. The asparagine at codon 2148 is highly conserved, and computational analyses predict that this variant is deleterious (REVEL: 0.927). Based on available information, this variant is considered to be pathogenic. References: Factor VIII Gene (F8) Variant Database: Feng Y et al. Mutation analysis in the F8 gene in 485 families with haemophilia A and prenatal diagnosis in China. Haemophilia. 2021 Jan;27(1):e88-e92. PMID: 33245802. Johnsen JM et al. Novel approach to genetic analysis and results in 3000 hemophilia patients enrolled in the My Life, Our Future initiative. Blood Adv. 2017 May 18;1(13):824-834. PMID: 29296726. Lannoy N et al. Computational and molecular approaches for predicting unreported causal missense mutations in Belgian patients with haemophilia A. Haemophilia. 2012 May;18(3):e331-9. PMID: 21883705. Tavassoli K et al. Molecular diagnostics of 15 hemophilia A patients: characterization of eight novel mutations in the factor VIII gene, two of which result in exon skipping. Hum Mutat. 1998;12(5):301-3. PMID: 9792405. Xue F et al. Factor VIII gene mutations profile in 148 Chinese hemophilia A subjects. Eur J Haematol. 2010 Sep;85(3):264-72. PMID: 20528906.

MVZ Martinsried, Medicover Genetics
Classification: Likely pathogenic for Hereditary factor VIII deficiency disease. Last evaluated: 2021-10-08. Review status: criteria provided, single submitter. Criteria: ACGS Guidelines, 2020. Collection method: clinical testing. Allele origin: unknown. Affected: yes.

Literature cited by the submitters: PubMed 11748850 (cited by Women's Health and Genetics/Laboratory Corporation of America, LabCorp); PubMed 23926300 (cited by Women's Health and Genetics/Laboratory Corporation of America, LabCorp); PubMed 10910910 (cited by Women's Health and Genetics/Laboratory Corporation of America, LabCorp); PubMed 23711294 (cited by Women's Health and Genetics/Laboratory Corporation of America, LabCorp); PubMed 9792405 (cited by Women's Health and Genetics/Laboratory Corporation of America, LabCorp).